The following is an entry in ClinVar:

NM_016219.5(MAN1B1):c.1429G>A (p.Gly477Arg)

Gene: MAN1B1 (mannosidase alpha class 1B member 1; plus strand). Cytogenetic location: 9q34.3.
Variant type: single nucleotide variant.
Coding change: c.1429G>A on transcript NM_016219.5 (MANE Select); coding-DNA position 1429, G replaced by A.
Protein change: p.Gly477Arg; replaces glycine 477 with arginine.
Molecular consequence: missense variant. On other transcripts: non-coding transcript variant (2).
Genome position (GRCh38, 1-based): chr9:137,106,299, G>A. VCF-style: chr9-137106299-G-A. GRCh37 (hg19) VCF-style: chr9-140000751-G-A.
Other names: short protein forms G477R.
Identifiers: ClinVar variation 445306 (VCV000445306.41), dbSNP rs75639549, ClinGen allele CA5359210.

ClinVar aggregate classification (germline): Benign/Likely benign. Review status: criteria provided, multiple submitters, no conflicts (2 of 4 stars). 6 submissions from 6 submitters: Benign (2); Likely benign (4). Last evaluated 2026-02-03.

Conditions:
Rafiq syndrome (RAFQS). Identifiers: Orphanet 88616, MedGen C3280127, MONDO:0013624, OMIM 614202.
Inborn genetic diseases. Identifiers: MedGen C0950123, MeSH D030342.

Allele frequency attached by ClinVar (database versions not stated): gnomAD exomes 0.00107; ExAC 0.00285; ESP Exome Variant Server 0.00377; gnomAD 0.00424 and 0.00445; TOPMed 0.00470; 1000 Genomes Project 0.00839; 1000 Genomes Project 30x 0.00921.

Submissions (6):

Labcorp Genetics (formerly Invitae), Labcorp
Classification: Benign for Rafiq syndrome. Last evaluated: 2026-02-03. Review status: criteria provided, single submitter. Criteria: Invitae Variant Classification Sherloc (09022015). Collection method: clinical testing. Allele origin: germline.

Blueprint Genetics
Classification: Likely benign. Last evaluated: 2024-11-27. Review status: criteria provided, single submitter. Criteria: ACMG Guidelines, 2015. Collection method: clinical testing. Allele origin: germline.

CeGaT Center for Human Genetics Tuebingen
Classification: Benign. Last evaluated: 2023-05-01. Review status: criteria provided, single submitter. Criteria: CeGaT Center For Human Genetics Tuebingen Variant Classification Criteria Version 2. Collection method: clinical testing. Allele origin: germline. Affected: yes. Observed: 1 variant allele.
Comment: MAN1B1: BS1, BS2

Ambry Genetics
Classification: Likely benign for Inborn genetic diseases. Last evaluated: 2019-01-08. Review status: criteria provided, single submitter. Criteria: Ambry Variant Classification Scheme 2023. Collection method: clinical testing. Allele origin: germline.

Center for Pediatric Genomic Medicine, Children's Mercy Hospital and Clinics
Classification: Likely benign. Last evaluated: 2017-05-15. Review status: criteria provided, single submitter. Criteria: ACMG Guidelines, 2015. Collection method: clinical testing. Allele origin: germline.

Breakthrough Genomics
Classification: Likely benign. Review status: criteria provided, single submitter. Criteria: ACMG Guidelines, 2015. Collection method: not provided. Allele origin: germline. Inheritance: Autosomal recessive inheritance. Affected: yes.